The following is an entry in ClinVar:

NM_007294.4(BRCA1):c.204A>G (p.Ile68Met)

Gene: BRCA1 (BRCA1 DNA repair associated; minus strand). Cytogenetic location: 17q21.31.
Variant type: single nucleotide variant.
Coding change: c.204A>G on transcript NM_007294.4 (MANE Select); coding-DNA position 204, A replaced by G.
Protein change: p.Ile68Met; replaces isoleucine 68 with methionine.
Molecular consequence: missense variant.
Genome position (GRCh38, 1-based): chr17:43,106,464, T>C on the plus strand (A>G on the coding strand, the complement: BRCA1 is on the minus strand). VCF-style: chr17-43106464-T-C. GRCh37 (hg19) VCF-style: chr17-41258481-T-C.
Other names: c.63A>G, p.Ile21Met (NM_001408461.1, NM_001408462.1, NM_001408463.1 and 99 more transcripts); c.204A>G, p.Ile68Met (NM_001408472.1, NM_001408473.1, NM_001408494.1 and 168 more transcripts); short protein forms I68M, I21M.
Identifiers: ClinVar variation 868278 (VCV000868278.6), dbSNP rs1555597192, ClinGen allele CA10601760.

ClinVar aggregate classification (germline): Uncertain significance (1 of 4 stars; one submission).

Conditions:
Hereditary breast ovarian cancer syndrome. Also called: Hereditary breast and ovarian cancer; Hereditary breast and ovarian cancer syndrome (HBOC); Breast and ovarian cancer; Hereditary breast and/or ovarian cancer syndrome; BRCA1- and BRCA2-Associated Hereditary Breast and Ovarian Cancer; Hereditary breast and ovarian cancer syndrome. Identifiers: Orphanet 145, MedGen C0677776, MeSH D061325, MONDO:0003582. Disease mechanism: loss of function.

Submissions (2):

Labcorp Genetics (formerly Invitae), Labcorp
Classification: Uncertain significance for Hereditary breast ovarian cancer syndrome. Last evaluated: 2022-11-21. Review status: criteria provided, single submitter. Criteria: Invitae Variant Classification Sherloc (09022015). Collection method: clinical testing. Allele origin: germline.
Comment: This sequence change replaces isoleucine, which is neutral and non-polar, with methionine, which is neutral and non-polar, at codon 68 of the BRCA1 protein (p.Ile68Met). This variant is not present in population databases (gnomAD no frequency). This variant has not been reported in the literature in individuals affected with BRCA1-related conditions. ClinVar contains an entry for this variant (Variation ID: 868278). Advanced modeling performed at Invitae incorporating data from internal and/or published experimental studies (PMID: 30209399) indicates that this missense variant is not expected to disrupt BRCA1 function. In summary, the available evidence is currently insufficient to determine the role of this variant in disease. Therefore, it has been classified as a Variant of Uncertain Significance.

Brotman Baty Institute, University of Washington
No classification provided (evidence only). Condition: Breast-ovarian cancer, familial 1. Review status: no classification provided. Collection method: in vitro. Allele origin: not applicable. Functional consequence: functionally_normal. Not counted in ClinVar's aggregate classification.
ClinVar note: "not provided" was previously submitted as the classification for the variant. However, the classification appeared to be based only on an observation of functional data so it was converted to no classification on 2025-07-30.

Literature cited by the submitters: PubMed 30209399 (cited by Labcorp Genetics (formerly Invitae), Labcorp).